The following is an entry in ClinVar:

NM_016953.4(PDE11A):c.2178C>G (p.Leu726=)

Genes: PDE11A (phosphodiesterase 11A; minus strand), PDE11A-AS1 (PDE11A antisense RNA 1; plus strand). Cytogenetic location: 2q31.2.
Variant type: single nucleotide variant.
Coding change: c.2178C>G on transcript NM_016953.4 (MANE Select); coding-DNA position 2178, C replaced by G.
Protein change: p.Leu726=; no amino-acid change (leucine 726 retained).
Molecular consequence: synonymous variant. On other transcripts: non-coding transcript variant (1).
Genome position (GRCh38, 1-based): chr2:177,701,187, G>C on the plus strand (C>G on the coding strand, the complement: PDE11A is on the minus strand). VCF-style: chr2-177701187-G-C. GRCh37 (hg19) VCF-style: chr2-178565915-G-C.
Other names: c.846C>G, p.Leu282= (NM_001077196.2); c.1428C>G, p.Leu476= (NM_001077197.2); c.1104C>G, p.Leu368= (NM_001077358.2).
Identifiers: ClinVar variation 4994435 (VCV004994435.1).
Genomic context (GRCh38, chr2:177,701,187, plus strand): 5'-TTGAAGGATCATCACGGCGTGGTTGAAATGGTGATGCTCCAAGGTAGCAGAGGTTCCATA[G>C]AGTTGGGCCAGGGCAGAGCCACTCCTGAAAGAGGACAGAGGGTGAGTGAGCAGGGCCTAT-3'
Protein context (NP_058649.3, residues 716-736): QAKSGSALAQ[Leu726=]YGTSATLEHH

ClinVar aggregate classification (germline): Likely benign (1 of 4 stars; one submission).

Conditions:
PDE11A-related disorder. Also called: PDE11A-related condition.

Submission:

PreventionGenetics, part of Exact Sciences
Classification: Likely benign for PDE11A-related condition. Last evaluated: 2025-09-09. Review status: criteria provided, single submitter. Criteria: ACMG Guidelines, 2015. Collection method: clinical testing. Allele origin: germline.
Comment: This variant is classified as likely benign based on ACMG/AMP sequence variant interpretation guidelines (Richards et al. 2015 PMID: 25741868, with internal and published modifications).